The following is an entry in ClinVar:

NM_020937.4(FANCM):c.10C>T (p.Arg4Trp)

Gene: FANCM (FA complementation group M; plus strand). Cytogenetic location: 14q21.2.
Variant type: single nucleotide variant.
Coding change: c.10C>T on transcript NM_020937.4 (MANE Select); coding-DNA position 10, C replaced by T.
Protein change: p.Arg4Trp; replaces arginine 4 with tryptophan.
Molecular consequence: missense variant.
Genome position (GRCh38, 1-based): chr14:45,136,041, C>T. VCF-style: chr14-45136041-C-T. GRCh37 (hg19) VCF-style: chr14-45605244-C-T.
Other names: c.10C>T, p.Arg4Trp (NM_001308133.2, NM_001308134.2); short protein forms R4W.
Identifiers: ClinVar variation 5036642 (VCV005036642.1).

ClinVar aggregate classification (germline): Uncertain significance (1 of 4 stars; one submission).

Conditions:
Inborn genetic diseases. Identifiers: MedGen C0950123, MeSH D030342.

Submission:

Ambry Genetics
Classification: Uncertain significance for Inborn genetic diseases. Last evaluated: 2026-07-25. Review status: criteria provided, single submitter. Criteria: Ambry Variant Classification Scheme 2023. Collection method: clinical testing. Allele origin: germline.
Comment: The p.R4W variant (also known as c.10C>T), located in coding exon 1 of the FANCM gene, results from a C to T substitution at nucleotide position 10. The arginine at codon 4 is replaced by tryptophan, an amino acid with dissimilar properties. This amino acid position is conserved. In addition, this alteration is predicted to be tolerated by in silico analysis. Based on the available evidence, the clinical significance of this variant remains unclear.